The following is an entry in ClinVar:

NM_178859.4(SLC51B):c.363G>A (p.Pro121=)

Genes: RASL12 (RAS like family 12; minus strand), SLC51B (SLC51 subunit beta; plus strand). Cytogenetic location: 15q22.31.
Variant type: single nucleotide variant.
Coding change: c.363G>A on transcript NM_178859.4 (MANE Select); coding-DNA position 363, G replaced by A.
Protein change: p.Pro121=; no amino-acid change (proline 121 retained).
Molecular consequence: synonymous variant.
Genome position (GRCh38, 1-based): chr15:65,053,140, G>A. VCF-style: chr15-65053140-G-A. GRCh37 (hg19) VCF-style: chr15-65345478-G-A.
Other names: c.363G>A (NM_178859.3).
Identifiers: ClinVar variation 2711101 (VCV002711101.4), dbSNP rs772899639, ClinGen allele CA7613534.

ClinVar aggregate classification (germline): Likely benign. Review status: criteria provided, multiple submitters, no conflicts (2 of 4 stars). 2 submissions from 2 submitters: Likely benign (2). Last evaluated 2025-10-29.

Conditions:
SLC51B-related disorder. Also called: SLC51B-related condition.

Allele frequency attached by ClinVar (database versions not stated): ExAC 0.00001; gnomAD exomes 0.00003; gnomAD 0.00007; TOPMed 0.00011.
gnomAD v4.1: 55 of 1,613,924 alleles (0.0034%); highest among the groups gnomAD compares: African/African-American, 0.016%; no homozygotes.

Submissions (2):

Labcorp Genetics (formerly Invitae), Labcorp
Classification: Likely benign. Last evaluated: 2025-10-29. Review status: criteria provided, single submitter. Criteria: Invitae Variant Classification Sherloc (09022015). Collection method: clinical testing. Allele origin: germline.

PreventionGenetics, part of Exact Sciences
Classification: Likely benign for SLC51B-related condition. Last evaluated: 2025-03-26. Review status: criteria provided, single submitter. Criteria: ACMG Guidelines, 2015. Collection method: clinical testing. Allele origin: germline.
Comment: This variant is classified as likely benign based on ACMG/AMP sequence variant interpretation guidelines (Richards et al. 2015 PMID: 25741868, with internal and published modifications).